The following is an entry in ClinVar:

ClinVar aggregate classification (germline): Conflicting classifications of pathogenicity. Review status: criteria provided, conflicting classifications (1 of 4 stars). 12 submissions from 12 submitters: Pathogenic (4); Likely pathogenic (5); Uncertain significance (1). 2 of the submissions do not count toward it. Last evaluated 2026-01-07.

Conditions:
TPP1-related disorder. Also called: TPP1-related condition.
Neuronal ceroid lipofuscinosis 2. Also called: TPP1-Related Neuronal Ceroid-Lipofuscinosis; JANSKY-BIELSCHOWSKY DISEASE NEURONAL CEROID LIPOFUSCINOSIS, LATE INFANTILE. Identifiers: Orphanet 168491, Orphanet 228349, Orphanet 79264, MedGen C1876161, MONDO:0008769, OMIM 204500.

Allele frequency attached by ClinVar (database versions not stated): gnomAD exomes below 0.00001 and 0.00001; ExAC 0.00001; gnomAD 0.00001; TOPMed 0.00002.
gnomAD v4.1: 14 of 1,613,766 alleles (0.00087%); highest among the groups gnomAD compares: East Asian, 0.0022%; no homozygotes.

Submissions (12):

GeneDx
Classification: Likely pathogenic. Last evaluated: 2026-01-07. Review status: criteria provided, single submitter. Criteria: GeneDx Variant Classification Process June 2021. Collection method: clinical testing. Allele origin: germline. Affected: yes.
Comment: Reported previously in patients with features of CLN2 disease who also harbored a second TPP1 variant (PMID: 37926545, 21990111); Not observed at significant frequency in large population cohorts (gnomAD); In silico analysis supports that this missense variant has a deleterious effect on protein structure/function; This variant is associated with the following publications: (PMID: 19038966, 21990111, 23266810, 32298681, 22832778, 39675099, 29056246, 36435927, 37926545, 30541466, 31489614, 34849271, 24091540)

Clinical Genetics Laboratory, Skane University Hospital Lund
Classification: Pathogenic for Neuronal ceroid lipofuscinosis 2. Last evaluated: 2025-12-11. Review status: criteria provided, single submitter. Criteria: ACMG Guidelines, 2015. Collection method: clinical testing. Allele origin: germline. Affected: yes.
Comment: ACMG criteria used: PS3, PS4, PM2 and PM5

3billion
Classification: Pathogenic for Neuronal ceroid lipofuscinosis 2. Last evaluated: 2025-09-19. Review status: criteria provided, single submitter. Criteria: ACMG Guidelines, 2015. Collection method: clinical testing. Allele origin: germline. Affected: yes.
Comment: The variant is observed at an extremely low frequency in the gnomAD v4.1.0 dataset (total allele frequency: <0.001%). Predicted Consequence/Location: Missense variant In silico tool predictions suggest damaging effect of the variant on gene or gene product [REVEL: 0.93 (>=0.6, sensitivity 0.68 and specificity 0.92)]. The same nucleotide change resulting in the same amino acid change has been previously reported as pathogenic/likely pathogenic with strong evidence (ClinVar ID: VCV000198725 /PMID: 21990111). Different missense changes at the same codon (p.Arg339Leu, p.Arg339Trp) have been reported as pathogenic/likely pathogenic with strong evidence (ClinVar ID: VCV000207586, VCV001325221 /PMID: 24091540, 36801247). Therefore, this variant is classified as Pathogenic according to the recommendation of ACMG/AMP guideline.

Natera, Inc.
Classification: Likely pathogenic for Neuronal ceroid lipofuscinosis 2. Last evaluated: 2024-12-12. Review status: criteria provided, single submitter. Criteria: Natera Variant Classification Schema (03/2026). Collection method: clinical testing. Allele origin: germline.
Comment: The c.1016G>A variant in TPP1 is a missense variant predicted to cause substitution of arginine to glutamine at amino acid 339. This variant is rare in the general population with a frequency below the threshold expected for the associated phenotype(s). This variant has been observed in one or more individuals affected with the associated recessive disease, as either homozygous or compound heterozygous with a second variant (PMID: 36435927, 36362641, 37926545, 22832778, 21990111). A different variant at the same position has been determined to be Pathogenic or Likely Pathogenic. Computational prediction algorithms indicate this variant is likely to affect gene or protein function. Given the available evidence, this variant is classified as Likely Pathogenic.

Labcorp Genetics (formerly Invitae), Labcorp
Classification: Pathogenic. Last evaluated: 2023-12-13. Review status: criteria provided, single submitter. Criteria: Invitae Variant Classification Sherloc (09022015). Collection method: clinical testing. Allele origin: germline.
Comment: This sequence change replaces arginine, which is basic and polar, with glutamine, which is neutral and polar, at codon 339 of the TPP1 protein (p.Arg339Gln). This variant is present in population databases (rs765380155, gnomAD 0.0009%). This missense change has been observed in individual(s) with TPP1-related conditions (PMID: 22832778, 23266810). ClinVar contains an entry for this variant (Variation ID: 198725). Advanced modeling of protein sequence and biophysical properties (such as structural, functional, and spatial information, amino acid conservation, physicochemical variation, residue mobility, and thermodynamic stability) performed at Invitae indicates that this missense variant is expected to disrupt TPP1 protein function with a positive predictive value of 95%. This variant disrupts the p.Pro339 amino acid residue in TPP1. Other variant(s) that disrupt this residue have been determined to be pathogenic (PMID: 24091540; Invitae). This suggests that this residue is clinically significant, and that variants that disrupt this residue are likely to be disease-causing. For these reasons, this variant has been classified as Pathogenic.

Blueprint Genetics
Classification: Pathogenic for TPP1-related disorders. Last evaluated: 2021-11-08. Review status: criteria provided, single submitter. Criteria: ACMG Guidelines, 2015. Collection method: clinical testing. Allele origin: germline. Affected: yes. Observed: 1 variant allele.

Genome-Nilou Lab
Classification: Likely pathogenic for Neuronal ceroid lipofuscinosis 2. Last evaluated: 2021-05-18. Review status: criteria provided, single submitter. Criteria: ACMG Guidelines, 2015. Collection method: clinical testing. Allele origin: germline. Affected: no.

Genome Diagnostics Laboratory, University Medical Center Utrecht
Classification: Likely pathogenic for Neuronal ceroid lipofuscinosis 2. Last evaluated: 2017-07-28. Review status: criteria provided, single submitter. Criteria: ACGS Guidelines, 2013. Collection method: clinical testing. Allele origin: germline. Affected: yes. Study: VKGL Data-share Consensus.

Clinical Genetics DNA and cytogenetics Diagnostics Lab, Erasmus MC, Erasmus Medical Center
Classification: Likely pathogenic for Neuronal ceroid lipofuscinosis 2. Last evaluated: 2016-06-17. Review status: criteria provided, single submitter. Criteria: ACGS Guidelines, 2013. Collection method: clinical testing. Allele origin: germline. Affected: yes. Study: VKGL Data-share Consensus.

Eurofins Ntd Llc (ga)
Classification: Uncertain significance. Last evaluated: 2014-09-17. Review status: criteria provided, single submitter. Criteria: EGL Classification Definitions 2015. Collection method: clinical testing. Allele origin: germline. Observed: 2 variant alleles, 2 heterozygotes.

Human Genetics Research Lab, Central University of Jammu
Classification: Pathogenic for Neuronal ceroid lipofuscinosis 2. Last evaluated: 2021-07-29. Review status: no assertion criteria provided. Collection method: research. Allele origin: germline. Inheritance: Autosomal recessive inheritance. Affected: yes. Observed: 1 variant allele, 1 homozygote. Not counted in ClinVar's aggregate classification.
Comment: Reference source OMIM: 204500 Neuronal ceroid lipofuscinosis-2 is caused by homozygous or compound heterozygous mutation in the TPP1 gene (607998) on chromosome 11p15. Reference source ClinVar: RCV000699225.1 NM_000391.4(TPP1):c.1016G>A (p.Arg339Gln) and Neuronal ceroid lipofuscinosis

Genome Diagnostics Laboratory, Amsterdam University Medical Center
Classification: Likely pathogenic. Review status: no assertion criteria provided. Collection method: clinical testing. Allele origin: germline. Affected: yes. Study: VKGL Data-share Consensus. Not counted in ClinVar's aggregate classification.

Literature cited by the submitters: PubMed 24091540 (cited by 3billion and Labcorp Genetics (formerly Invitae), Labcorp); PubMed 21990111 (cited by 3billion and Natera, Inc.); PubMed 36435927 (cited by Natera, Inc.); PubMed 36362641 (cited by Natera, Inc.); PubMed 37926545 (cited by Natera, Inc.); PubMed 22832778 (cited by Natera, Inc. and Labcorp Genetics (formerly Invitae), Labcorp); PubMed 23266810 (cited by Labcorp Genetics (formerly Invitae), Labcorp); DOI 10.20944/preprints202107.0661.v1 (cited by Human Genetics Research Lab, Central University of Jammu).

NM_000391.4(TPP1):c.1016G>A (p.Arg339Gln)

Gene: TPP1 (tripeptidyl peptidase 1; minus strand). Cytogenetic location: 11p15.4.
Variant type: single nucleotide variant.
Coding change: c.1016G>A on transcript NM_000391.4 (MANE Select); coding-DNA position 1016, G replaced by A.
Protein change: p.Arg339Gln; replaces arginine 339 with glutamine.
Molecular consequence: missense variant.
Genome position (GRCh38, 1-based): chr11:6,616,374, C>T on the plus strand (G>A on the coding strand, the complement: TPP1 is on the minus strand). VCF-style: chr11-6616374-C-T. GRCh37 (hg19) VCF-style: chr11-6637605-C-T.
Other names: short protein forms R339Q.
Identifiers: ClinVar variation 198725 (VCV000198725.30), dbSNP rs765380155, ClinGen allele CA247530.